The following is an entry in ClinVar:

NR_023317.1(RNU7-1):n.59C>T

Genes: C12orf57 (chromosome 12 open reading frame 57; plus strand), RNU7-1 (RNA, U7 small nuclear 1; plus strand). Cytogenetic location: 12p13.31.
Variant type: single nucleotide variant.
Molecular consequence: non-coding transcript variant (on NR_023317.1). On other transcripts: intron variant (2).
Genome position: GRCh38 VCF-style: chr12-6943874-C-T. GRCh37 (hg19) VCF-style: chr12-7053037-C-T.
Other names: c.13+212C>T (NM_001301836.2); c.-16+212C>T (NM_001301834.1).
Identifiers: ClinVar variation 4533601 (VCV004533601.7).
Genomic context (GRCh38, chr12:6,943,874, plus strand): 5'-AGCAGTGTTACAGCTCTTTTAGAATTTGTCTAGTAGGCTTTCTGGCTTTTTACCGGAAAG[C>T]CCCTCTTATGATGTTTGTTGCCAATGATAGATTGTTTTCACTGTGCAAAAATTATGGGTA-3'

ClinVar aggregate classification (germline): Benign/Likely benign. Review status: criteria provided, multiple submitters, no conflicts (2 of 4 stars). 3 submissions from 3 submitters: Benign (1); Likely benign (2). Last evaluated 2026-02-13.

gnomAD v4.1: 564 of 967,404 alleles (0.058%); highest among the groups gnomAD compares: South Asian, 0.22%; 3 homozygotes.

Submissions (3):

Women's Health and Genetics/Laboratory Corporation of America, LabCorp
Classification: Benign. Last evaluated: 2026-02-13. Review status: criteria provided, single submitter. Criteria: LabCorp Variant Classification Summary - May 2015. Collection method: clinical testing. Allele origin: germline.
Comment: Variant summary: RNU7-1 n.59C>T alters a nucleotide in the non-coding RNA. The variant allele was found at a frequency of 0.00058 in 967404 control chromosomes, predominantly at a frequency of 0.0022 within the South Asian subpopulation in the gnomAD database, including 1 homozygote. The observed variant frequency within South Asian control individuals in the gnomAD database exceeds the estimated maximal expected allele frequency for disease-causing variants in RNU7-1. n.59C>T has been observed in individual(s) affected with Aicardi-Goutieres syndrome, but without strong evidence of causality (Uggenti_2020). This report does not provide unequivocal conclusions about association of the variant with Aicardi-Goutieres syndrome 9. To our knowledge, no experimental evidence demonstrating an impact on protein function has been reported. The following publication has been ascertained in the context of this evaluation (PMID: 33230297). ClinVar contains an entry for this variant (Variation ID: 4533601). Based on the evidence outlined above, the variant was classified as benign.

CeGaT Center for Human Genetics Tuebingen
Classification: Likely benign. Last evaluated: 2025-11-01. Review status: criteria provided, single submitter. Criteria: CeGaT Center For Human Genetics Tuebingen Variant Classification Criteria Version 2. Collection method: clinical testing. Allele origin: germline. Affected: yes. Observed: 1 variant allele.
Comment: RNU7-1: BS2

Mayo Clinic Laboratories, Mayo Clinic
Classification: Likely benign. Last evaluated: 2024-11-07. Review status: criteria provided, single submitter. Criteria: ACMG Guidelines, 2015. Collection method: clinical testing. Allele origin: germline. Observed: 2 variant alleles.
Comment: BP4, BP7

Literature cited by the submitters: PubMed 33230297 (cited by Women's Health and Genetics/Laboratory Corporation of America, LabCorp).